The following is an entry in ClinVar:

ClinVar aggregate classification (germline): Uncertain significance (1 of 4 stars; one submission).

Conditions:
Hereditary cancer-predisposing syndrome. Also called: Tumor predisposition; Neoplastic Syndromes, Hereditary; Hereditary neoplastic syndrome; Hereditary Cancer Syndrome. Identifiers: Orphanet 140162, MedGen C0027672, MeSH D009386, MONDO:0015356.

Submission:

Ambry Genetics
Classification: Uncertain significance for Hereditary cancer-predisposing syndrome. Last evaluated: 2025-04-22. Review status: criteria provided, single submitter. Criteria: Ambry Variant Classification Scheme 2023. Collection method: clinical testing. Allele origin: germline.
Comment: The p.P123S variant (also known as c.367C>T), located in coding exon 3 of the SMARCA4 gene, results from a C to T substitution at nucleotide position 367. The proline at codon 123 is replaced by serine, an amino acid with similar properties. This amino acid position is highly conserved in available vertebrate species. In addition, the in silico prediction for this alteration is inconclusive. Based on the available evidence, the clinical significance of this variant remains unclear.

NM_003072.5(SMARCA4):c.367C>T (p.Pro123Ser)

Gene: SMARCA4 (SWI/SNF related BAF chromatin remodeling complex subunit ATPase 4; plus strand). Cytogenetic location: 19p13.2.
Variant type: single nucleotide variant.
Coding change: c.367C>T on transcript NM_003072.5 (MANE Select); coding-DNA position 367, C replaced by T.
Protein change: p.Pro123Ser; replaces proline 123 with serine.
Molecular consequence: missense variant. On other transcripts: non-coding transcript variant (1).
Genome position (GRCh38, 1-based): chr19:10,986,200, C>T. VCF-style: chr19-10986200-C-T. GRCh37 (hg19) VCF-style: chr19-11096876-C-T.
Other names: c.367C>T, p.Pro123Ser (NM_001128844.3, NM_001128845.2, NM_001128846.2 and 5 more transcripts); short protein forms P123S.
Identifiers: ClinVar variation 588834 (VCV000588834.6), dbSNP rs1568421595, ClinGen allele CA404055595.
Genomic context (GRCh38, chr19:10,986,200, plus strand): 5'-TCACAGACATATGCTGCCGAGTGACCAGTGGGCTGACCTTTCTCTGCAGGTTACCCCTCG[C>T]CCCTGGGTGGCTCTGAGCATGCCTCTAGTCCAGTTCCAGCCAGTGGCCCGTCTTCGGGGC-3'
Protein context (NP_003063.2, residues 113-133): MDQHSQGYPS[Pro123Ser]LGGSEHASSP